The following is an entry in ClinVar:

ClinVar aggregate classification (germline): Uncertain significance (1 of 4 stars; one submission).

Submission:

Labcorp Genetics (formerly Invitae), Labcorp
Classification: Uncertain significance. Last evaluated: 2022-07-05. Review status: criteria provided, single submitter. Criteria: Invitae Variant Classification Sherloc (09022015). Collection method: clinical testing. Allele origin: germline.
Comment: In summary, the available evidence is currently insufficient to determine the role of this variant in disease. Therefore, it has been classified as a Variant of Uncertain Significance. Advanced modeling of protein sequence and biophysical properties (such as structural, functional, and spatial information, amino acid conservation, physicochemical variation, residue mobility, and thermodynamic stability) performed at Invitae indicates that this missense variant is not expected to disrupt COL9A1 protein function. This variant is not present in population databases (gnomAD no frequency). This sequence change replaces valine, which is neutral and non-polar, with glycine, which is neutral and non-polar, at codon 633 of the COL9A1 protein (p.Val633Gly). This variant has not been reported in the literature in individuals affected with COL9A1-related conditions.

NM_001851.6(COL9A1):c.1898T>G (p.Val633Gly)

Gene: COL9A1 (collagen type IX alpha 1 chain; minus strand). Cytogenetic location: 6q13.
Variant type: single nucleotide variant.
Coding change: c.1898T>G on transcript NM_001851.6 (MANE Select); coding-DNA position 1898, T replaced by G.
Protein change: p.Val633Gly; replaces valine 633 with glycine.
Molecular consequence: missense variant. On other transcripts: non-coding transcript variant (1).
Genome position (GRCh38, 1-based): chr6:70,242,690, A>C on the plus strand (T>G on the coding strand, the complement: COL9A1 is on the minus strand). VCF-style: chr6-70242690-A-C. GRCh37 (hg19) VCF-style: chr6-70952393-A-C.
Other names: c.1199T>G, p.Val400Gly (NM_001377289.1); c.1169T>G, p.Val390Gly (NM_001377290.1, NM_078485.4); short protein forms V390G, V400G, V633G.
Identifiers: ClinVar variation 2014232 (VCV002014232.4), dbSNP rs2483248177, ClinGen allele CA364675848.